The following is an entry in ClinVar:

ClinVar aggregate classification (germline): Likely benign. Review status: criteria provided, multiple submitters, no conflicts (2 of 4 stars). 2 submissions from 2 submitters: Likely benign (2). Last evaluated 2025-11-28.

Conditions:
PCARE-related disorder. Also called: PCARE-related condition.

Allele frequency attached by ClinVar (database versions not stated): gnomAD exomes 0.00001 and 0.00004; ExAC 0.00007; gnomAD 0.00013 and 0.00014; TOPMed 0.00020.
gnomAD v4.1: 36 of 1,613,906 alleles (0.0022%); highest among the groups gnomAD compares: African/African-American, 0.043%; no homozygotes.

Submissions (2):

Labcorp Genetics (formerly Invitae), Labcorp
Classification: Likely benign. Last evaluated: 2025-11-28. Review status: criteria provided, single submitter. Criteria: Invitae Variant Classification Sherloc (09022015). Collection method: clinical testing. Allele origin: germline.

PreventionGenetics, part of Exact Sciences
Classification: Likely benign for PCARE-related condition. Last evaluated: 2025-02-11. Review status: criteria provided, single submitter. Criteria: ACMG Guidelines, 2015. Collection method: clinical testing. Allele origin: germline.
Comment: This variant is classified as likely benign based on ACMG/AMP sequence variant interpretation guidelines (Richards et al. 2015 PMID: 25741868, with internal and published modifications).

NM_001029883.3(PCARE):c.2541G>A (p.Glu847=)

Gene: PCARE (photoreceptor cilium actin regulator; minus strand). Cytogenetic location: 2p23.2.
Variant type: single nucleotide variant.
Coding change: c.2541G>A on transcript NM_001029883.3 (MANE Select); coding-DNA position 2541, G replaced by A.
Protein change: p.Glu847=; no amino-acid change (glutamic acid 847 retained).
Molecular consequence: synonymous variant.
Genome position (GRCh38, 1-based): chr2:29,071,721, C>T on the plus strand (G>A on the coding strand, the complement: PCARE is on the minus strand). VCF-style: chr2-29071721-C-T. GRCh37 (hg19) VCF-style: chr2-29294587-C-T.
Other names: c.2541G>A (NM_001029883.2).
Identifiers: ClinVar variation 1108463 (VCV001108463.10), dbSNP rs755674227, ClinGen allele CA1592175.